The following is an entry in ClinVar:

Conditions:
Breast-ovarian cancer, familial, susceptibility to, 1 (BROVCA1). Also called: BRCA1 Hereditary Breast and Ovarian Cancer; OVARIAN CANCER, SUSCEPTIBILITY TO. Identifiers: Orphanet 145, MedGen C2676676, MONDO:0011450, OMIM 604370. Disease mechanism: loss of function.

Submission:

Brotman Baty Institute, University of Washington
No classification provided (evidence only). Condition: Breast-ovarian cancer, familial 1. Review status: no classification provided. Collection method: in vitro. Allele origin: not applicable. Functional consequence: functionally_normal.
ClinVar note: "not provided" was previously submitted as the classification for the variant. However, the classification appeared to be based only on an observation of functional data so it was converted to no classification on 2025-07-30.

NM_007294.4(BRCA1):c.5153-17T>A

Gene: BRCA1 (BRCA1 DNA repair associated; minus strand). Cytogenetic location: 17q21.31.
Variant type: single nucleotide variant.
Coding change: c.5153-17T>A on transcript NM_007294.4 (MANE Select); 17 bases into the intron before coding-DNA position 5153, T replaced by A.
Molecular consequence: intron variant.
Genome position (GRCh38, 1-based): chr17:43,063,390, A>T on the plus strand (T>A on the coding strand, the complement: BRCA1 is on the minus strand). VCF-style: chr17-43063390-A-T. GRCh37 (hg19) VCF-style: chr17-41215407-A-T.
Other names: c.5006-17T>A (NM_001407847.1, NM_001407841.1, NM_001407838.1 and 12 more transcripts); c.5009-17T>A (NM_001407740.1, NM_001407739.1, NM_001407741.1 and 21 more transcripts); c.1580-17T>A (NM_001408499.1, NM_001408498.1, NM_001408501.1 and 3 more transcripts); c.4886-17T>A (NM_001407933.1, NM_001407927.1, NM_001407931.1 and 4 more transcripts); c.4889-17T>A (NM_001407923.1, NM_001407922.1, NM_001407925.1 and 4 more transcripts); c.5012-17T>A (NM_001407725.1, NM_001407727.1, NM_001407724.1 and 13 more transcripts); c.1724-17T>A (NM_001408422.1, NM_001408423.1, NM_001408421.1 and 1 more transcripts); c.4940-17T>A (NM_001407896.1, NM_001407900.1, NM_001407571.1 and 12 more transcripts); and 72 more.
Identifiers: ClinVar variation 867418 (VCV000867418.3), dbSNP rs2051876657, ClinGen allele CA916080078.
Genomic context (GRCh38, chr17:43,063,390, plus strand): 5'-TACCTCATTCAGCATTTTTCTTTCTTTAATAGACTGGGTCACCCCTAAAGAGATCATAGA[A>T]AAGACAGGTTACATACAGCAGAAGAACGTGCTCTTTTCACGGAGATAGAGAGGTCAGCGA-3'